The following is an entry in ClinVar:

NM_015570.4(AUTS2):c.2931C>A (p.Ser977Arg)

Gene: AUTS2 (activator of transcription and developmental regulator AUTS2; plus strand). Cytogenetic location: 7q11.22.
Variant type: single nucleotide variant.
Coding change: c.2931C>A on transcript NM_015570.4 (MANE Select); coding-DNA position 2931, C replaced by A.
Protein change: p.Ser977Arg; replaces serine 977 with arginine.
Molecular consequence: missense variant.
Genome position (GRCh38, 1-based): chr7:70,790,147, C>A. VCF-style: chr7-70790147-C-A. GRCh37 (hg19) VCF-style: chr7-70255133-C-A.
Other names: c.2859C>A, p.Ser953Arg (NM_001127231.3); short protein forms S953R, S977R.
Identifiers: ClinVar variation 1315311 (VCV001315311.2), dbSNP rs373094910, ClinGen allele CA367665125.

ClinVar aggregate classification (germline): Uncertain significance (1 of 4 stars; one submission).

Submission:

GeneDx
Classification: Uncertain significance. Last evaluated: 2020-02-11. Review status: criteria provided, single submitter. Criteria: GeneDx Variant Classification Process June 2021. Collection method: clinical testing. Allele origin: germline. Affected: yes.
Comment: Not observed in large population cohorts (Lek et al., 2016); In silico analysis supports that this missense variant does not alter protein structure/function; Has not been previously published as pathogenic or benign to our knowledge